The following is an entry in ClinVar:

NM_000257.4(MYH7):c.2207T>C (p.Ile736Thr)

Gene: MYH7 (myosin heavy chain 7; minus strand). Cytogenetic location: 14q11.2.
Variant type: single nucleotide variant.
Coding change: c.2207T>C on transcript NM_000257.4 (MANE Select); coding-DNA position 2207, T replaced by C.
Protein change: p.Ile736Thr; replaces isoleucine 736 with threonine.
Molecular consequence: missense variant.
Genome position (GRCh38, 1-based): chr14:23,425,774, A>G on the plus strand (T>C on the coding strand, the complement: MYH7 is on the minus strand). VCF-style: chr14-23425774-A-G. GRCh37 (hg19) VCF-style: chr14-23894983-A-G.
Other names: p.I736T:ATT>ACT; NM_000257.3(MYH7):c.2207T>C; short protein forms I736T.
Identifiers: ClinVar variation 164342 (VCV000164342.37), dbSNP rs727503261, ClinGen allele CA011970.

ClinVar aggregate classification (germline): Pathogenic. Review status: reviewed by expert panel (3 of 4 stars). 17 submissions from 17 submitters: Pathogenic (1). 16 of the submissions do not count toward it. Last evaluated 2016-12-15.

Conditions:
Primary familial hypertrophic cardiomyopathy (HCM). Identifiers: Orphanet 99739, MedGen C0949658, MeSH D024741, MONDO:0024573. Inheritance: Various modes of inheritance.
Cardiovascular phenotype. Identifiers: MedGen CN230736.
Dilated cardiomyopathy 1S (CMD1S). Identifiers: Orphanet 154, Orphanet 54260, MedGen C1834481, MONDO:0013262, OMIM 613426.
Hypertrophic cardiomyopathy 1 (CMH1). Also called: Familial hypertrophic cardiomyopathy 1; MYH7-Related Familial Hypertrophic Cardiomyopathy. Identifiers: MedGen C3495498, MONDO:0008647, OMIM 192600.
Hypertrophic cardiomyopathy. Also called: HYPERTROPHIC MYOCARDIOPATHY. Identifiers: Orphanet 217569, MedGen C0007194, MeSH D002312, MONDO:0005045, HP:0001639.
MYH7-related disorder. Also called: MYH7-related condition; MYH7-related disease; MYH7-related disorders.
Cardiomyopathy (CMYO). Also called: Cardiomyopathies. Identifiers: Orphanet 167848, MedGen C0878544, MONDO:0004994, HP:0001638. Inheritance: Various modes of inheritance.

Submissions 1 to 8 of 17:

ClinGen Cardiomyopathy Variant Curation Expert Panel
Classification: Pathogenic for Hypertrophic cardiomyopathy. Last evaluated: 2016-12-15. Review status: reviewed by expert panel. Criteria: ClinGen CMP ACMG Specifications v1. Collection method: curation. Allele origin: germline. Inheritance: Autosomal dominant inheritance.
Comment: The c.2207T>C (p.Ile736Thr) variant in MYH7 has been reported in >20 individuals with hypertrophic cardiomyopathy (PS4; PMID:16630449; PMID:12974739; PMID:16199542; PMID:15856146; PMID:17125710; PMID:20738943; SHaRe consortium, PMID: 30297972; Partners LMM ClinVar SCV000199207.4; AGCMC Sydney ClinVar SCV000212631.2). This variant segregated with disease in 5 affected individuals (PP1_Moderate; PMID:15856146; PMID:17125710; Partners LMM ClinVar SCV000199207.4). This variant was absent from large population studies (PM2). This variant lies in the head region of the protein (aa 181-937) and missense variants in this region are statistically more likely to be disease-associated (PM1; PMID:27532257). In summary, this variant meets criteria to be classified as pathogenic for hypertrophic cardiomyopathy in an autosomal dominant manner. MYH7-specific ACMG/AMP criteria applied (PMID:29300372): PS4; PM1; PM2; PP1_Moderate

Women's Health and Genetics/Laboratory Corporation of America, LabCorp
Classification: Pathogenic for Primary familial hypertrophic cardiomyopathy. Last evaluated: 2026-03-06. Review status: criteria provided, single submitter. Criteria: LabCorp Variant Classification Summary - May 2015. Collection method: clinical testing. Allele origin: germline. Not counted in ClinVar's aggregate classification.
Comment: Variant summary: MYH7 c.2207T>C (p.Ile736Thr) results in a non-conservative amino acid change in the encoded protein sequence. Algorithms developed to predict the effect of missense changes on protein structure and function all suggest that this variant is likely to be disruptive. The variant was absent in 251186 control chromosomes. c.2207T>C has been observed in multiple individuals affected with Hypertrophic Cardiomyopathy (Mohiddin_2003, Perrot_2005, Pan_2006, Laredo_2006) and segregates with disease. These data indicate that the variant is very likely to be associated with disease. At least one publication reports experimental evidence evaluating an impact on protein function (Kirschner_2005), however, does not allow convincing conclusions about the variant effect. The following publications have been ascertained in the context of this evaluation (PMID: 12820698, 15856146, 15550524, 17288815, 17125710). ClinVar contains an entry for this variant (Variation ID: 164342). Based on the evidence outlined above, the variant was classified as pathogenic.

Labcorp Genetics (formerly Invitae), Labcorp
Classification: Pathogenic for Hypertrophic cardiomyopathy. Last evaluated: 2026-01-13. Review status: criteria provided, single submitter. Criteria: Invitae Variant Classification Sherloc (09022015). Collection method: clinical testing. Allele origin: germline. Not counted in ClinVar's aggregate classification.
Comment: This sequence change replaces isoleucine, which is neutral and non-polar, with threonine, which is neutral and polar, at codon 736 of the MYH7 protein (p.Ile736Thr). This variant is not present in population databases (gnomAD no frequency). This missense change has been observed in individuals with hypertrophic cardiomyopathy (PMID: 12820698, 12974739, 15856146, 16199542, 22112859, 22455086, 23711808, 25935763). It has also been observed to segregate with disease in related individuals. ClinVar contains an entry for this variant (Variation ID: 164342). Invitae Evidence Modeling of protein sequence and biophysical properties (such as structural, functional, and spatial information, amino acid conservation, physicochemical variation, residue mobility, and thermodynamic stability) indicates that this missense variant is expected to disrupt MYH7 protein function with a positive predictive value of 95%. Experimental studies are conflicting or provide insufficient evidence to determine the effect of this variant on MYH7 function (PMID: 19651039, 25346696). For these reasons, this variant has been classified as Pathogenic.

Ambry Genetics
Classification: Pathogenic for Cardiovascular phenotype. Last evaluated: 2023-10-23. Review status: criteria provided, single submitter. Criteria: Ambry Variant Classification Scheme 2023. Collection method: clinical testing. Allele origin: germline. Not counted in ClinVar's aggregate classification.
Comment: The p.I736T pathogenic mutation (also known as c.2207T>C), located in coding exon 18 of the MYH7 gene, results from a T to C substitution at nucleotide position 2207. The isoleucine at codon 736 is replaced by threonine, an amino acid with similar properties. This amino acid position is located within the converter domain of cardiac b-myosin, which is enriched in HCM-associated pathogenic variants (Homburger JR et al. Proc. Natl. Acad. Sci. U.S.A., 2016 06;113:6701-6). This variant has been detected in multiple unrelated individuals with hypertrophic cardiomyopathy (Erdmann J et al. Clin. Genet., 2003 Oct;64:339-49; Mohiddin SA et al. Genet. Test., 2003;7:21-7; Perrot A et al. J. Mol. Med., 2005 Jun;83:468-77; Ingles J et al. J. Med. Genet., 2005 Oct;42:e59; Liu WL et al. Zhonghua Xin Xue Guan Bing Za Zhi, 2006 Mar;34:202-7; Laredo R et al. Rev Esp Cardiol, 2006 Oct;59:1008-18; Garc&iacute;a-Giustiniani D et al. Heart, 2015 Jul;101:1047-53; Curila K et al. Acta Cardiol, 2012 Feb;67:23-9; Homburger JR et al. Proc. Natl. Acad. Sci. U.S.A., 2016 06;113:6701-6; Walsh R et al. Genet. Med., 2017 Feb;19:192-203). This variant has also been reported to segregate with HCM in families (Perrot A et al. J. Mol. Med., 2005 Jun;83:468-77; Liu WL et al. Zhonghua Xin Xue Guan Bing Za Zhi, 2006 Mar;34:202-7; Laredo R et al. Rev Esp Cardiol, 2006 Oct;59:1008-18). This variant is considered to be rare based on population cohorts in the Genome Aggregation Database (gnomAD). This amino acid position is highly conserved in available vertebrate species. In addition, this variant is predicted to be deleterious by in silico analysis. Based on the supporting evidence, this alteration is interpreted as a disease-causing mutation.

Clinical Genetics Laboratory, Skane University Hospital Lund
Classification: Pathogenic. Last evaluated: 2023-07-27. Review status: criteria provided, single submitter. Criteria: ACMG Guidelines, 2015. Collection method: clinical testing. Allele origin: germline. Affected: yes. Not counted in ClinVar's aggregate classification.

GeneDx
Classification: Pathogenic. Last evaluated: 2023-05-31. Review status: criteria provided, single submitter. Criteria: GeneDx Variant Classification Process June 2021. Collection method: clinical testing. Allele origin: germline. Affected: yes. Not counted in ClinVar's aggregate classification.
Comment: Not observed at significant frequency in large population cohorts (gnomAD); In silico analysis supports that this missense variant has a deleterious effect on protein structure/function; This variant is associated with the following publications: (PMID: 22112859, 8533830, 12974739, 19651039, 27247418, 28606303, 27532257, 15856146, 16199542, 23711808, 12820698, 17125710, 22455086, 25935763, 25346696, 26743238, 27217341, 21943931, 21472310, 21769673, 29398688, 29300372, 16630449, 19808356, 20738943, 20800588, 30775854, 31960626, 23074333, 29961767, 31513939, 33673806, 32894683, 33906374, 34542152, 35352813, 35626289, 35208637)

Laboratory for Molecular Medicine, Mass General Brigham Personalized Medicine
Classification: Pathogenic for Hypertrophic cardiomyopathy. Last evaluated: 2022-11-03. Review status: criteria provided, single submitter. Criteria: ACMG Guidelines, 2015. Collection method: clinical testing. Allele origin: germline. Inheritance: Autosomal dominant inheritance. Not counted in ClinVar's aggregate classification.
Comment: The p.Ile736Thr variant in MYH7 has been reported in >10 individuals with HCM, segregated with disease in 7 affected relatives from 3 families (Erdman 2003 PMID: 12974739, Ingles 2005 PMID: 16199542, Liu 2006 PMID: 16630449, Laredo 2006 PMID: 17125710, Barriales Villa 2010 PMID: 20738943, LMM data), and was absent from large population studies. The variant has been reported in ClinVar (Variation ID 164342). In vitro functional studies provide some evidence that the p.Ile736Thr variant may not impact protein function (Seebohm 2009 PMID: 19651039, Tripathi 2011 PMID: 21769673). However, these types of assays may not accurately represent biological function. Computational prediction tools and conservation analysis do not provide strong support for or against an impact to the protein. In summary, this variant meets our criteria to be classified as pathogenic for HCM in an autosomal dominant manner based upon segregation studies and absence from controls. ACMG/AMP criteria applied: PS4, PP1_Strong, PM2_Supporting.

CHEO Genetics Diagnostic Laboratory, Children's Hospital of Eastern Ontario
Classification: Pathogenic for Cardiomyopathy. Last evaluated: 2021-09-24. Review status: criteria provided, single submitter. Criteria: ACMG Guidelines, 2015. Collection method: clinical testing. Allele origin: germline. Not counted in ClinVar's aggregate classification.